The following is an entry in ClinVar:

ClinVar aggregate classification (germline): Uncertain significance (1 of 4 stars; one submission).

Conditions:
Cardiomyopathy (CMYO). Also called: Cardiomyopathies. Identifiers: Orphanet 167848, MedGen C0878544, MONDO:0004994, HP:0001638. Inheritance: Various modes of inheritance.

gnomAD v4.1: 4 of 1,608,072 alleles (0.00025%); highest among the groups gnomAD compares: Non-Finnish European, 0.00034%; no homozygotes.

Submission:

Color Diagnostics, LLC DBA Color Health
Classification: Uncertain significance for Cardiomyopathy. Last evaluated: 2025-06-09. Review status: criteria provided, single submitter. Criteria: ACMG Guidelines, 2015. Collection method: clinical testing. Allele origin: germline.
Comment: This missense variant replaces alanine with proline at codon 4332 of the RYR2 protein. Computational prediction is inconclusive regarding the impact of this variant on protein structure and function. To our knowledge, functional studies have not been reported for this variant. This variant has not been reported in individuals affected with RYR2-related disorders in the literature. This variant has not been identified in the general population by the Genome Aggregation Database (gnomAD). The available evidence is insufficient to determine the role of this variant in disease conclusively. Therefore, this variant is classified as a Variant of Uncertain Significance.

NM_001035.3(RYR2):c.12994G>C (p.Ala4332Pro)

Genes: RYR2 (ryanodine receptor 2; plus strand), LOC126806068 (BRD4-independent group 4 enhancer GRCh37_chr1:237947411-237948610; plus strand). Cytogenetic location: 1q43.
Variant type: single nucleotide variant.
Coding change: c.12994G>C on transcript NM_001035.3 (MANE Select); coding-DNA position 12994, G replaced by C.
Protein change: p.Ala4332Pro; replaces alanine 4332 with proline.
Molecular consequence: missense variant.
Genome position (GRCh38, 1-based): chr1:237,784,706, G>C. VCF-style: chr1-237784706-G-C. GRCh37 (hg19) VCF-style: chr1-237948006-G-C.
Other names: short protein forms A4332P.
Identifiers: ClinVar variation 4757265 (VCV004757265.1).